The following is an entry in ClinVar:

ClinVar aggregate classification (germline): Benign (1 of 4 stars; one submission).

Conditions:
MIAT-related disorder. Also called: MIAT-related condition.

Submission:

PreventionGenetics, part of Exact Sciences
Classification: Benign for MIAT-related condition. Last evaluated: 2019-09-17. Review status: criteria provided, single submitter. Criteria: ACMG Guidelines, 2015. Collection method: clinical testing. Allele origin: germline.
Comment: This variant is classified as benign based on ACMG/AMP sequence variant interpretation guidelines (Richards et al. 2015 PMID: 25741868, with internal and published modifications).

NR_033320.3(MIAT):n.5354C>T

Gene: MIAT (myocardial infarction associated transcript; plus strand). Cytogenetic location: 22q12.1.
Variant type: single nucleotide variant.
Molecular consequence: non-coding transcript variant (on NR_033320.3).
Genome position: GRCh38 VCF-style: chr22-26671828-C-T. GRCh37 (hg19) VCF-style: chr22-27067791-C-T.
Identifiers: ClinVar variation 3059963 (VCV003059963.1), dbSNP rs188631416, ClinGen allele CA514071904.